The following is an entry in ClinVar:

ClinVar aggregate classification (germline): Benign (1 of 4 stars; one submission).

Conditions:
Autosomal recessive spinocerebellar ataxia 10. Identifiers: Orphanet 284289, MedGen C3150998, MONDO:0013392, OMIM 613728.

Allele frequency attached by ClinVar (database versions not stated): gnomAD exomes 0.00402; gnomAD 0.02580 and 0.02745; TOPMed 0.02861; 1000 Genomes Project 0.03315; 1000 Genomes Project 30x 0.03638.
gnomAD v4.1: 4,481 of 296,838 alleles (1.5%); highest among the groups gnomAD compares: African/African-American, 8.7%; 192 homozygotes.

Submission:

Illumina Laboratory Services, Illumina
Classification: Benign for Autosomal recessive spinocerebellar ataxia 10. Last evaluated: 2018-01-13. Review status: criteria provided, single submitter. Criteria: ICSL Variant Classification Criteria 13 December 2019. Collection method: clinical testing. Allele origin: germline.
Comment: This variant was observed in the ICSL laboratory as part of a predisposition screen in an ostensibly healthy population. It had not been previously curated by ICSL or reported in the Human Gene Mutation Database (HGMD: prior to June 1st, 2018), and was therefore a candidate for classification through an automated scoring system. Utilizing variant allele frequency, disease prevalence and penetrance estimates, and inheritance mode, an automated score was calculated to assess if this variant is too frequent to cause the disease. Based on the score and internal cut-off values, a variant classified as benign is not then subjected to further curation. The score for this variant resulted in a classification of benign for this disease.

NM_018075.5(ANO10):c.*444C>T

Gene: ANO10 (anoctamin 10; minus strand). Cytogenetic location: 3p22.1.
Variant type: single nucleotide variant.
Coding change: c.*444C>T on transcript NM_018075.5 (MANE Select); 444 bases downstream of the stop codon, C replaced by T.
Molecular consequence: 3 prime UTR variant.
Genome position (GRCh38, 1-based): chr3:43,366,462, G>A on the plus strand (C>T on the coding strand, the complement: ANO10 is on the minus strand). VCF-style: chr3-43366462-G-A. GRCh37 (hg19) VCF-style: chr3-43407954-G-A.
Other names: c.*546C>T (NM_001204831.3); c.*444C>T (NM_001204832.3, NM_001204833.3, NM_001204834.3 and 7 more transcripts).
Identifiers: ClinVar variation 345164 (VCV000345164.5), dbSNP rs114518528, ClinGen allele CA10615831.